The following is an entry in ClinVar:

NM_000059.4(BRCA2):c.6790T>C (p.Leu2264=)

Gene: BRCA2 (BRCA2 DNA repair associated; plus strand). Cytogenetic location: 13q13.1.
Variant type: single nucleotide variant.
Coding change: c.6790T>C on transcript NM_000059.4 (MANE Select); coding-DNA position 6790, T replaced by C.
Protein change: p.Leu2264=; no amino-acid change (leucine 2264 retained).
Molecular consequence: synonymous variant.
Genome position (GRCh38, 1-based): chr13:32,341,145, T>C. VCF-style: chr13-32341145-T-C. GRCh37 (hg19) VCF-style: chr13-32915282-T-C.
Identifiers: ClinVar variation 427496 (VCV000427496.13), dbSNP rs750435643, ClinGen allele CA6940983.

ClinVar aggregate classification (germline): Likely benign. Review status: reviewed by expert panel (3 of 4 stars). 3 submissions from 3 submitters: Likely benign (1). 2 of the submissions do not count toward it. Last evaluated 2017-06-29.

Conditions:
Hereditary cancer-predisposing syndrome. Also called: Hereditary neoplastic syndrome; Hereditary Cancer Syndrome; Neoplastic Syndromes, Hereditary; Tumor predisposition. Identifiers: Orphanet 140162, MedGen C0027672, MeSH D009386, MONDO:0015356.
Hereditary breast ovarian cancer syndrome. Also called: Hereditary breast and ovarian cancer syndrome; BRCA1- and BRCA2-Associated Hereditary Breast and Ovarian Cancer; Hereditary breast and/or ovarian cancer syndrome; Hereditary breast and ovarian cancer; Breast and ovarian cancer; Hereditary breast and ovarian cancer syndrome (HBOC). Identifiers: Orphanet 145, MedGen C0677776, MeSH D061325, MONDO:0003582. Disease mechanism: loss of function.
Breast-ovarian cancer, familial, susceptibility to, 2 (BROVCA2). Also called: BRCA2 Hereditary Breast and Ovarian Cancer. Identifiers: Orphanet 145, MedGen C2675520, MONDO:0012933, OMIM 612555. Disease mechanism: loss of function.

Allele frequency attached by ClinVar (database versions not stated): ExAC 0.00001; gnomAD exomes 0.00001 and 0.00002.
gnomAD v4.1: 6 of 1,613,978 alleles (0.00037%); highest among the groups gnomAD compares: Non-Finnish European, 0.00051%; no homozygotes.

Submissions (3):

Evidence-based Network for the Interpretation of Germline Mutant Alleles (ENIGMA)
Classification: Likely benign for Breast-ovarian cancer, familial, susceptibility to, 2. Last evaluated: 2017-06-29. Review status: reviewed by expert panel. Criteria: ENIGMA BRCA1/2 Classification Criteria (2017-06-29). Collection method: curation. Allele origin: germline.
Comment: Synonymous substitution variant, with low bioinformatic likelihood to result in a splicing aberration (Splicing prior probability 0.02).

Labcorp Genetics (formerly Invitae), Labcorp
Classification: Likely benign for Hereditary breast ovarian cancer syndrome. Last evaluated: 2025-01-22. Review status: criteria provided, single submitter. Criteria: Invitae Variant Classification Sherloc (09022015). Collection method: clinical testing. Allele origin: germline. Not counted in ClinVar's aggregate classification.

Ambry Genetics
Classification: Likely benign for Hereditary cancer-predisposing syndrome. Last evaluated: 2020-03-12. Review status: criteria provided, single submitter. Criteria: Ambry Variant Classification Scheme 2023. Collection method: clinical testing. Allele origin: germline. Not counted in ClinVar's aggregate classification.